The following is an entry in ClinVar:

ClinVar aggregate classification (germline): Conflicting classifications of pathogenicity. Review status: criteria provided, conflicting classifications (1 of 4 stars). 2 submissions from 2 submitters: Uncertain significance (1); Likely benign (1). Last evaluated 2026-05-07.

Conditions:
Renal cell carcinoma. Identifiers: Orphanet 217071, MedGen C0007134, MeSH D002292, MONDO:0005086, HP:0005584.
Hereditary cancer-predisposing syndrome. Also called: Tumor predisposition; Neoplastic Syndromes, Hereditary; Hereditary Cancer Syndrome; Hereditary neoplastic syndrome. Identifiers: Orphanet 140162, MedGen C0027672, MeSH D009386, MONDO:0015356.

Allele frequency attached by ClinVar (database versions not stated): gnomAD exomes 0.00001; ExAC 0.00001.
gnomAD v4.1: 3 of 1,608,394 alleles (0.00019%); highest among the groups gnomAD compares: South Asian, 0.0011%; no homozygotes.

Submissions (2):

Ambry Genetics
Classification: Likely benign for Hereditary cancer-predisposing syndrome. Last evaluated: 2026-05-07. Review status: criteria provided, single submitter. Criteria: Ambry Variant Classification Scheme 2023. Collection method: clinical testing. Allele origin: germline.

Labcorp Genetics (formerly Invitae), Labcorp
Classification: Uncertain significance for Renal cell carcinoma. Last evaluated: 2022-11-07. Review status: criteria provided, single submitter. Criteria: Invitae Variant Classification Sherloc (09022015). Collection method: clinical testing. Allele origin: germline.
Comment: This variant has not been reported in the literature in individuals affected with MET-related conditions. In summary, the available evidence is currently insufficient to determine the role of this variant in disease. Therefore, it has been classified as a Variant of Uncertain Significance. Algorithms developed to predict the effect of missense changes on protein structure and function output the following: SIFT: "Deleterious"; PolyPhen-2: "Benign"; Align-GVGD: "Class C0". The isoleucine amino acid residue is found in multiple mammalian species, which suggests that this missense change does not adversely affect protein function. ClinVar contains an entry for this variant (Variation ID: 1445197). This variant is present in population databases (rs552953455, gnomAD 0.007%). This sequence change replaces valine, which is neutral and non-polar, with isoleucine, which is neutral and non-polar, at codon 765 of the MET protein (p.Val765Ile).

NM_000245.4(MET):c.2265-26G>A

Gene: MET (MET proto-oncogene, receptor tyrosine kinase; plus strand). Cytogenetic location: 7q31.2.
Variant type: single nucleotide variant.
Coding change: c.2265-26G>A on transcript NM_000245.4 (MANE Select); 26 bases into the intron before coding-DNA position 2265, G replaced by A.
Molecular consequence: intron variant. On other transcripts: missense variant (1).
Genome position (GRCh38, 1-based): chr7:116,759,365, G>A. VCF-style: chr7-116759365-G-A. GRCh37 (hg19) VCF-style: chr7-116399419-G-A.
Other names: c.2293G>A, p.Val765Ile (NM_001127500.3); c.975-26G>A (NM_001324402.2); c.2265-26G>A (NM_001324401.3); short protein forms V765I.
Identifiers: ClinVar variation 1445197 (VCV001445197.12), dbSNP rs552953455, ClinGen allele CA4448444.